The following is an entry in ClinVar:

ClinVar aggregate classification (germline): Benign/Likely benign. Review status: criteria provided, multiple submitters, no conflicts (2 of 4 stars). 3 submissions from 3 submitters: Benign (1); Likely benign (2). Last evaluated 2026-01-29.

Conditions:
Developmental and epileptic encephalopathy, 53. Also called: Epileptic encephalopathy, early infantile, 53. Identifiers: MedGen C4479313, MONDO:0033362, OMIM 617389.
Early-onset Parkinson disease 20. Also called: PARKINSON DISEASE 20, AUTOSOMAL RECESSIVE EARLY-ONSET. Identifiers: Orphanet 391411, MedGen C3809824, MONDO:0014233, OMIM 615530.

Submissions (3):

Labcorp Genetics (formerly Invitae), Labcorp
Classification: Benign for Developmental and epileptic encephalopathy, 53; Early-onset Parkinson disease 20. Last evaluated: 2026-01-29. Review status: criteria provided, single submitter. Criteria: Invitae Variant Classification Sherloc (09022015). Collection method: clinical testing. Allele origin: germline.

Mayo Clinic Laboratories, Mayo Clinic
Classification: Likely benign. Last evaluated: 2025-03-10. Review status: criteria provided, single submitter. Criteria: ACMG Guidelines, 2015. Collection method: clinical testing. Allele origin: germline. Observed: 2 variant alleles.
Comment: BS1, BP4, BP7

Blueprint Genetics
Classification: Likely benign. Last evaluated: 2024-11-27. Review status: criteria provided, single submitter. Criteria: ACMG Guidelines, 2015. Collection method: clinical testing. Allele origin: germline.

NM_203446.3(SYNJ1):c.706-7dup

Gene: SYNJ1 (synaptojanin 1; minus strand). Cytogenetic location: 21q22.11.
Variant type: Duplication.
Coding change: c.706-7dup on transcript NM_203446.3 (MANE Select); 7 bases into the intron before coding-DNA position 706, one base duplicated (T; older notation c.706-7dupT).
Molecular consequence: intron variant.
Genome position (GRCh38, 1-based): chr21:32,694,318, A duplicated on the plus strand (T on the coding strand, the reverse complement: SYNJ1 is on the minus strand); the first of 9 consecutive A bases (chr21:32,694,318-32,694,326); duplicating any one gives the same sequence. VCF-style (leftmost placement, unchanged base first): chr21-32694317-G-GA. GRCh37 (hg19) VCF-style: chr21-34066627-G-GA.
Other names: p.?; c.823-7dup (NM_003895.4); c.706-7dup (NM_001160302.2, NM_001160306.2); c.823-7dupT (NM_003895.3).
Identifiers: ClinVar variation 544582 (VCV000544582.14), dbSNP rs202044634, ClinGen allele CA10004067.